The following is an entry in ClinVar:

NM_007294.4(BRCA1):c.2564A>G (p.Gln855Arg)

Gene: BRCA1 (BRCA1 DNA repair associated; minus strand). Cytogenetic location: 17q21.31.
Variant type: single nucleotide variant.
Coding change: c.2564A>G on transcript NM_007294.4 (MANE Select); coding-DNA position 2564, A replaced by G.
Protein change: p.Gln855Arg; replaces glutamine 855 with arginine.
Molecular consequence: missense variant. On other transcripts: intron variant (137).
Genome position (GRCh38, 1-based): chr17:43,092,967, T>C on the plus strand (A>G on the coding strand, the complement: BRCA1 is on the minus strand). VCF-style: chr17-43092967-T-C. GRCh37 (hg19) VCF-style: chr17-41244984-T-C.
Other names: c.2420A>G, p.Gln807Arg (NM_001407846.1, NM_001407849.1, NM_001407845.1 and 20 more transcripts); c.664+1777A>G (NM_001408440.1, NM_001408428.1, NM_001408441.1 and 12 more transcripts); c.671-1935A>G (NM_001408418.1, NM_001408423.1, NM_001408420.1 and 2 more transcripts); c.787+1777A>G (NM_001407981.1, NM_007298.4, NM_001407978.1 and 17 more transcripts); c.643+1777A>G (NM_001408462.1, NM_001408470.1, NM_001408464.1 and 3 more transcripts); c.709+1777A>G (NM_001408414.1, NM_001408411.1, NM_001408415.1 and 2 more transcripts); c.577+1777A>G (NM_001408514.1, NM_001408485.1, NM_001408483.1 and 9 more transcripts); c.661+1777A>G (NM_001408447.1, NM_001408433.1, NM_001408446.1 and 6 more transcripts); and 41 more; short protein forms Q855R, Q808R, Q727R, Q784R, Q788R, Q813R, Q828R, Q854R.
Identifiers: ClinVar variation 531320 (VCV000531320.15), dbSNP rs768001441, ClinGen allele CA10596864.
Genomic context (GRCh38, chr17:43,092,967, plus strand): 5'-GGATTTGAAAACGGAGCAAATGACTGGCGCTTTGAAACCTTGAATGTATTCTGCAAATAC[T>C]GAGCATCAAGTTCACTTTCTTCCATTTCTATGCTTGTTTCCCGACTGTGGTTAACTTCAT-3'
Protein context (NP_009225.1, residues 845-865): IEMEESELDA[Gln855Arg]YLQNTFKVSK

ClinVar aggregate classification (germline): Conflicting classifications of pathogenicity. Review status: criteria provided, conflicting classifications (1 of 4 stars). 3 submissions from 3 submitters: Uncertain significance (2); Likely benign (1). Last evaluated 2024-07-24.

Conditions:
Hereditary breast ovarian cancer syndrome. Also called: Hereditary breast and ovarian cancer syndrome (HBOC); BRCA1- and BRCA2-Associated Hereditary Breast and Ovarian Cancer; Hereditary breast and ovarian cancer syndrome; Breast and ovarian cancer; Hereditary breast and ovarian cancer; Hereditary breast and/or ovarian cancer syndrome. Identifiers: Orphanet 145, MedGen C0677776, MeSH D061325, MONDO:0003582. Disease mechanism: loss of function.
Hereditary cancer-predisposing syndrome. Also called: Hereditary neoplastic syndrome; Neoplastic Syndromes, Hereditary; Tumor predisposition; Hereditary Cancer Syndrome. Identifiers: Orphanet 140162, MedGen C0027672, MeSH D009386, MONDO:0015356.

gnomAD v4.1: 1 of 1,613,508 alleles (0.000062%); highest among the groups gnomAD compares: Non-Finnish European, 0.000085%; no homozygotes.

Submissions (3):

Ambry Genetics
Classification: Uncertain significance for Hereditary cancer-predisposing syndrome. Last evaluated: 2024-07-24. Review status: criteria provided, single submitter. Criteria: Ambry Variant Classification Scheme 2023. Collection method: clinical testing. Allele origin: germline.
Comment: The p.Q855R variant (also known as c.2564A>G), located in coding exon 9 of the BRCA1 gene, results from an A to G substitution at nucleotide position 2564. The glutamine at codon 855 is replaced by arginine, an amino acid with highly similar properties. This amino acid position is highly conserved in available vertebrate species. In addition, this alteration is predicted to be deleterious by in silico analysis. Since supporting evidence is limited at this time, the clinical significance of this alteration remains unclear.

University of Washington Department of Laboratory Medicine, University of Washington
Classification: Likely benign for Hereditary cancer-predisposing syndrome. Last evaluated: 2023-03-23. Review status: criteria provided, single submitter. Criteria: Dines et al. (Genet Med. 2020). Collection method: curation. Allele origin: germline.
Comment: Missense variant in a coldspot region where missense variants are very unlikely to be pathogenic (PMID:31911673).

BRCA1 coldspot (exon 11 using historical exon numbering). Reclassification based on statistical prior probability

Labcorp Genetics (formerly Invitae), Labcorp
Classification: Uncertain significance for Hereditary breast ovarian cancer syndrome. Last evaluated: 2017-09-17. Review status: criteria provided, single submitter. Criteria: Invitae Variant Classification Sherloc (09022015). Collection method: clinical testing. Allele origin: germline.
Comment: In summary, the available evidence is currently insufficient to determine the role of this variant in disease. Therefore, it has been classified as a Variant of Uncertain Significance. Algorithms developed to predict the effect of missense changes on protein structure and function do not agree on the potential impact of this missense change (SIFT: "Tolerated"; PolyPhen-2: "Probably Damaging"; Align-GVGD: "Class C0"). This variant has not been reported in the literature in individuals with BRCA1-related disease. This variant is not present in population databases (ExAC no frequency). This sequence change replaces glutamine with arginine at codon 855 of the BRCA1 protein (p.Gln855Arg). The glutamine residue is highly conserved and there is a small physicochemical difference between glutamine and arginine.